The following is an entry in ClinVar:

NM_000135.4(FANCA):c.1471-3C>G

Gene: FANCA (FA complementation group A; minus strand). Cytogenetic location: 16q24.3.
Variant type: single nucleotide variant.
Coding change: c.1471-3C>G on transcript NM_000135.4 (MANE Select); 3 bases into the intron before coding-DNA position 1471, C replaced by G.
Molecular consequence: intron variant.
Genome position (GRCh38, 1-based): chr16:89,783,105, G>C on the plus strand (C>G on the coding strand, the complement: FANCA is on the minus strand). VCF-style: chr16-89783105-G-C. GRCh37 (hg19) VCF-style: chr16-89849513-G-C.
Other names: c.1471-3C>G (LRG_495t1, NM_001286167.3).
Identifiers: ClinVar variation 450249 (VCV000450249.9), dbSNP rs1291307989, ClinGen allele CA624255299.

ClinVar aggregate classification (germline): Uncertain significance. Review status: criteria provided, multiple submitters, no conflicts (2 of 4 stars). 2 submissions from 2 submitters: Uncertain significance (2). Last evaluated 2021-08-31.

Conditions:
Fanconi anemia (FA). Also called: Fanconi's anemia. Identifiers: Orphanet 84, MedGen C0015625, MeSH D005199, MONDO:0019391.

Allele frequency attached by ClinVar (database versions not stated): gnomAD exomes below 0.00001 and 0.00001; TOPMed below 0.00001.
gnomAD v4.1: 2 of 1,607,600 alleles (0.00012%); highest among the groups gnomAD compares: Admixed American, 0.0033%; no homozygotes.

Submissions (2):

Labcorp Genetics (formerly Invitae), Labcorp
Classification: Uncertain significance for Fanconi anemia. Last evaluated: 2021-08-31. Review status: criteria provided, single submitter. Criteria: Invitae Variant Classification Sherloc (09022015). Collection method: clinical testing. Allele origin: germline.
Comment: This sequence change falls in intron 15 of the FANCA gene. It does not directly change the encoded amino acid sequence of the FANCA protein. It affects a nucleotide within the consensus splice site of the intron. This variant is not present in population databases (ExAC no frequency). This variant has not been reported in the literature in individuals affected with FANCA-related conditions. ClinVar contains an entry for this variant (Variation ID: 450249). Variants that disrupt the consensus splice site are a relatively common cause of aberrant splicing (PMID: 17576681, 9536098). Algorithms developed to predict the effect of sequence changes on RNA splicing suggest that this variant may disrupt the consensus splice site. In summary, the available evidence is currently insufficient to determine the role of this variant in disease. Therefore, it has been classified as a Variant of Uncertain Significance.

GeneDx
Classification: Uncertain significance. Last evaluated: 2018-12-28. Review status: criteria provided, single submitter. Criteria: GeneDx Variant Classification (06012015). Collection method: clinical testing. Allele origin: germline. Affected: yes.
Comment: The c.1471-3C>G variant in the FANCA gene has not been reported previously as a pathogenic variant nor as a benign variant, to our knowledge. This variant is predicted to damage the natural splice acceptor site in intron 15, and is expected to cause abnormal gene splicing. However, this nucleotide substitution occurs at a position that is not conserved. The c.1471-3C>G variant is not observed in large population cohorts (Lek et al., 2016; 1000 Genomes Consortium et al., 2015; Exome Variant Server). We interpret c.1471-3C>G as a variant of uncertain significance.

Literature cited by the submitters: PubMed 17576681 (cited by Labcorp Genetics (formerly Invitae), Labcorp); PubMed 9536098 (cited by Labcorp Genetics (formerly Invitae), Labcorp).